The following is an entry in ClinVar:

ClinVar aggregate classification (germline): Benign/Likely benign. Review status: criteria provided, multiple submitters, no conflicts (2 of 4 stars). 7 submissions from 4 submitters: Benign (3); Likely benign (4). Last evaluated 2026-05-19.

Conditions:
Neurofibromatosis, familial spinal (FSNF). Identifiers: Orphanet 636, MedGen C1834235, MONDO:0008078, OMIM 162210. Disease mechanism: loss of function.
Neurofibromatosis-Noonan syndrome (NFNS). Also called: NEUROFIBROMATOSIS WITH NOONAN PHENOTYPE. Identifiers: Orphanet 638, MedGen C2931482, MONDO:0011035, OMIM 601321. Disease mechanism: loss of function.
Café-au-lait macules with pulmonary stenosis (WTSN). Also called: PULMONIC STENOSIS WITH CAFE-AU-LAIT SPOTS. Identifiers: MedGen C0553586, MONDO:0008672, OMIM 193520.
Neurofibromatosis, type 1 (NF1). Also called: Peripheral type neurofibromatosis; Neurofibromatosis, type I; VON RECKLINGHAUSEN DISEASE; NEUROFIBROMATOSIS, TYPE I, SOMATIC. Identifiers: Orphanet 636, MedGen C0027831, MONDO:0018975, OMIM 162200. Disease mechanism: loss of function.

Allele frequency attached by ClinVar (database versions not stated): gnomAD 0.00003; ExAC 0.00006; TOPMed below 0.00001.
gnomAD v4.1: 32 of 1,613,068 alleles (0.002%); highest among the groups gnomAD compares: East Asian, 0.065%; no homozygotes.

Submissions (7):

Myriad Genetics, Inc.
Classification: Benign for Neurofibromatosis, type 1. Last evaluated: 2026-05-19. Review status: criteria provided, single submitter. Criteria: Myriad Autosomal Dominant, Autosomal Recessive and X-Linked Classification Criteria (2023). Collection method: clinical testing. Allele origin: unknown.
Comment: This variant is considered benign. This variant is intronic and is not expected to impact mRNA splicing. This variant has been observed at a population frequency that is significantly greater than expected given the associated disease prevalence and penetrance.

Labcorp Genetics (formerly Invitae), Labcorp
Classification: Likely benign for Neurofibromatosis, type 1. Last evaluated: 2026-01-26. Review status: criteria provided, single submitter. Criteria: Invitae Variant Classification Sherloc (09022015). Collection method: clinical testing. Allele origin: germline.

Genome-Nilou Lab
Classification: Benign for Neurofibromatosis, type 1. Last evaluated: 2022-03-15. Review status: criteria provided, single submitter. Criteria: ACMG Guidelines, 2015. Collection method: clinical testing. Allele origin: germline. Affected: no.

Illumina Laboratory Services, Illumina
Classification: Benign for Neurofibromatosis-Noonan syndrome. Last evaluated: 2018-01-12. Review status: criteria provided, single submitter. Criteria: ICSL Variant Classification Criteria 13 December 2019. Collection method: clinical testing. Allele origin: germline.
Comment: This variant was observed in the ICSL laboratory as part of a predisposition screen in an ostensibly healthy population. It had not been previously curated by ICSL or reported in the Human Gene Mutation Database (HGMD: prior to June 1st, 2018), and was therefore a candidate for classification through an automated scoring system. Utilizing variant allele frequency, disease prevalence and penetrance estimates, and inheritance mode, an automated score was calculated to assess if this variant is too frequent to cause the disease. Based on the score and internal cut-off values, a variant classified as benign is not then subjected to further curation. The score for this variant resulted in a classification of benign for this disease.

Illumina Laboratory Services, Illumina
Classification: Likely benign for Café-au-lait macules with pulmonary stenosis. Last evaluated: 2018-01-12. Review status: criteria provided, single submitter. Criteria: ICSL Variant Classification Criteria 13 December 2019. Collection method: clinical testing. Allele origin: germline.
Comment: This variant was observed in the ICSL laboratory as part of a predisposition screen in an ostensibly healthy population. It had not been previously curated by ICSL or reported in the Human Gene Mutation Database (HGMD: prior to June 1st, 2018), and was therefore a candidate for classification through an automated scoring system. Utilizing variant allele frequency, disease prevalence and penetrance estimates, and inheritance mode, an automated score was calculated to assess if this variant is too frequent to cause the disease. Based on the score and internal cut-off values, a variant classified as likely benign is not then subjected to further curation. The score for this variant resulted in a classification of likely benign for this disease.

Illumina Laboratory Services, Illumina
Classification: Likely benign for Neurofibromatosis, type 1. Last evaluated: 2018-01-12. Review status: criteria provided, single submitter. Criteria: ICSL Variant Classification Criteria 13 December 2019. Collection method: clinical testing. Allele origin: germline.
Comment: the same text as in the submission from Illumina Laboratory Services, Illumina above.

Illumina Laboratory Services, Illumina
Classification: Likely benign for Neurofibromatosis, familial spinal. Last evaluated: 2018-01-12. Review status: criteria provided, single submitter. Criteria: ICSL Variant Classification Criteria 13 December 2019. Collection method: clinical testing. Allele origin: germline.
Comment: the same text as in the submission from Illumina Laboratory Services, Illumina above.

NM_001042492.3(NF1):c.3975-12A>G

Gene: NF1 (neurofibromin 1; plus strand). Cytogenetic location: 17q11.2.
Variant type: single nucleotide variant.
Coding change: c.3975-12A>G on transcript NM_001042492.3 (MANE Select); 12 bases into the intron before coding-DNA position 3975, A replaced by G.
Molecular consequence: intron variant.
Genome position (GRCh38, 1-based): chr17:31,248,972, A>G. VCF-style: chr17-31248972-A-G. GRCh37 (hg19) VCF-style: chr17-29575990-A-G.
Other names: c.3975-12A>G (NM_000267.4).
Identifiers: ClinVar variation 890433 (VCV000890433.12), dbSNP rs750100751, ClinGen allele CA8486310.
Genomic context (GRCh38, chr17:31,248,972, plus strand): 5'-CTCTTTTAAGGAGTGATTTTTGTTATTTGTTTTAAACAAAAGTGTTAGGATTTTATTTTT[A>G]TTTTTTTGTAGGTTAGAACCATCAGAGAGCCTTGAGGAAAACCAGCGGAACCTCCTTCAG-3'